The following is an entry in ClinVar:

ClinVar aggregate classification (germline): Uncertain significance (1 of 4 stars; one submission).

Conditions:
Oocyte maturation defect 7. Also called: OOCYTE/ZYGOTE/EMBRYO MATURATION ARREST 7. Identifiers: MedGen C5231407, MONDO:0032810, OMIM 618550.

Submission:

Juno Genomics, Hangzhou Juno Genomics, Inc
Classification: Uncertain significance for Oocyte maturation defect 7. Review status: criteria provided, single submitter. Criteria: ACMG Guidelines, 2015. Collection method: clinical testing. Allele origin: germline.
Comment: Absent from controls (or at extremely low frequency if recessive) in Genome Aggregation Database.

NM_015368.4(PANX1):c.380G>A (p.Trp127Ter)

Gene: PANX1 (pannexin 1; plus strand). Cytogenetic location: 11q21.
Variant type: single nucleotide variant.
Coding change: c.380G>A on transcript NM_015368.4 (MANE Select); coding-DNA position 380, G replaced by A.
Protein change: p.Trp127Ter; replaces tryptophan 127 with a stop codon.
Molecular consequence: nonsense.
Genome position (GRCh38, 1-based): chr11:94,178,427, G>A. VCF-style: chr11-94178427-G-A. GRCh37 (hg19) VCF-style: chr11-93911593-G-A.
Other names: short protein forms W127*.
Identifiers: ClinVar variation 5005007 (VCV005005007.2).
Genomic context (GRCh38, chr11:94,178,427, plus strand): 5'-AGTTTTTCCCCTACATCCTGCTGCTCTTTGCGATCCTCCTGTACCTGCCCCCGCTGTTCT[G>A]GCGTTTCGCAGCTGCTCCTCATATTTGCTCAGACTTGAAGTTTATCATGGAAGAACTTGA-3'